The following is an entry in ClinVar:

ClinVar aggregate classification (germline): Benign/Likely benign. Review status: criteria provided, multiple submitters, no conflicts (2 of 4 stars). 3 submissions from 2 submitters: Benign (1); Likely benign (2). Last evaluated 2018-01-13.

Conditions:
Bietti crystalline corneoretinal dystrophy (BCD). Also called: Bietti Crystalline Dystrophy; BIETTI TAPETORETINAL DEGENERATION WITH MARGINAL CORNEAL DYSTROPHY. Identifiers: Orphanet 41751, MedGen C1859486, MONDO:0008865, OMIM 210370.
Corneal dystrophy. Identifiers: Orphanet 34533, MedGen C0010036, MONDO:0018102, HP:0001131.

Allele frequency attached by ClinVar (database versions not stated): gnomAD exomes 0.00091; gnomAD 0.01046 and 0.01113; TOPMed 0.01201; 1000 Genomes Project 0.01298; 1000 Genomes Project 30x 0.01359.
gnomAD v4.1: 2,312 of 893,240 alleles (0.26%); highest among the groups gnomAD compares: African/African-American, 3.7%; 39 homozygotes.

Submissions (3):

Illumina Laboratory Services, Illumina
Classification: Likely benign for Corneal dystrophy. Last evaluated: 2018-01-13. Review status: criteria provided, single submitter. Criteria: ICSL Variant Classification Criteria 13 December 2019. Collection method: clinical testing. Allele origin: germline.
Comment: This variant was observed in the ICSL laboratory as part of a predisposition screen in an ostensibly healthy population. It had not been previously curated by ICSL or reported in the Human Gene Mutation Database (HGMD: prior to June 1st, 2018), and was therefore a candidate for classification through an automated scoring system. Utilizing variant allele frequency, disease prevalence and penetrance estimates, and inheritance mode, an automated score was calculated to assess if this variant is too frequent to cause the disease. Based on the score and internal cut-off values, a variant classified as likely benign is not then subjected to further curation. The score for this variant resulted in a classification of likely benign for this disease.

Illumina Laboratory Services, Illumina
Classification: Benign for Bietti crystalline corneoretinal dystrophy. Last evaluated: 2018-01-13. Review status: criteria provided, single submitter. Criteria: ICSL Variant Classification Criteria 13 December 2019. Collection method: clinical testing. Allele origin: germline.
Comment: This variant was observed in the ICSL laboratory as part of a predisposition screen in an ostensibly healthy population. It had not been previously curated by ICSL or reported in the Human Gene Mutation Database (HGMD: prior to June 1st, 2018), and was therefore a candidate for classification through an automated scoring system. Utilizing variant allele frequency, disease prevalence and penetrance estimates, and inheritance mode, an automated score was calculated to assess if this variant is too frequent to cause the disease. Based on the score and internal cut-off values, a variant classified as benign is not then subjected to further curation. The score for this variant resulted in a classification of benign for this disease.

Breakthrough Genomics
Classification: Likely benign. Review status: criteria provided, single submitter. Criteria: ACMG Guidelines, 2015. Collection method: not provided. Allele origin: germline. Inheritance: Autosomal recessive inheritance. Affected: yes.

NM_207352.4(CYP4V2):c.-128A>G

Genes: CYP4V2 (cytochrome P450 family 4 subfamily V member 2; plus strand), LOC129993526 (ATAC-STARR-seq lymphoblastoid silent region 15858; plus strand). Cytogenetic location: 4q35.1.
Variant type: single nucleotide variant.
Coding change: c.-128A>G on transcript NM_207352.4 (MANE Select); 128 bases upstream of the start codon, A replaced by G.
Molecular consequence: 5 prime UTR variant.
Genome position (GRCh38, 1-based): chr4:186,191,696, A>G. VCF-style: chr4-186191696-A-G. GRCh37 (hg19) VCF-style: chr4-187112850-A-G.
Identifiers: ClinVar variation 348294 (VCV000348294.6), dbSNP rs531909464, ClinGen allele CA10617499.